The following is an entry in ClinVar:

ClinVar aggregate classification (germline): Uncertain significance. Review status: criteria provided, multiple submitters, no conflicts (2 of 4 stars). 2 submissions from 2 submitters: Uncertain significance (2). Last evaluated 2025-10-10.

Conditions:
Developmental and epileptic encephalopathy, 9 (DEE9). Also called: Early infantile epileptic encephalopathy 9; JUBERG-HELLMAN SYNDROME; EPILEPSY, FEMALE-RESTRICTED, WITH MENTAL RETARDATION; PCDH19-Related X-Linked Female-Limited Epilepsy with Mental Retardation. Identifiers: Orphanet 101039, Orphanet 2076, MedGen C1848137, MONDO:0010246, OMIM 300088. Disease mechanism: loss of function.

Allele frequency attached by ClinVar (database versions not stated): gnomAD exomes below 0.00001 and 0.00001; ExAC 0.00001.
gnomAD v4.1: 3 of 1,209,178 alleles (0.00025%); highest among the groups gnomAD compares: Non-Finnish European, 0.00033%; no homozygotes.

Submissions (2):

Labcorp Genetics (formerly Invitae), Labcorp
Classification: Uncertain significance for Developmental and epileptic encephalopathy, 9. Last evaluated: 2025-10-10. Review status: criteria provided, single submitter. Criteria: Invitae Variant Classification Sherloc (09022015). Collection method: clinical testing. Allele origin: germline.
Comment: This sequence change replaces glycine, which is neutral and non-polar, with arginine, which is basic and polar, at codon 182 of the PCDH19 protein (p.Gly182Arg). This variant is present in population databases (rs777840773, gnomAD 0.001%). This variant has not been reported in the literature in individuals affected with PCDH19-related conditions. ClinVar contains an entry for this variant (Variation ID: 1367735). Invitae Evidence Modeling of protein sequence and biophysical properties (such as structural, functional, and spatial information, amino acid conservation, physicochemical variation, residue mobility, and thermodynamic stability) indicates that this missense variant is expected to disrupt PCDH19 protein function with a positive predictive value of 80%. In summary, the available evidence is currently insufficient to determine the role of this variant in disease. Therefore, it has been classified as a Variant of Uncertain Significance.

GeneDx
Classification: Uncertain significance. Last evaluated: 2025-07-11. Review status: criteria provided, single submitter. Criteria: GeneDx Variant Classification Process June 2021. Collection method: clinical testing. Allele origin: germline. Affected: yes.
Comment: Not observed at significant frequency in large population cohorts (gnomAD); In silico analysis supports that this missense variant has a deleterious effect on protein structure/function; Has not been previously published as pathogenic or benign to our knowledge

NM_001184880.2(PCDH19):c.544G>C (p.Gly182Arg)

Gene: PCDH19 (protocadherin 19; minus strand). Cytogenetic location: Xq22.1.
Variant type: single nucleotide variant.
Coding change: c.544G>C on transcript NM_001184880.2 (MANE Select); coding-DNA position 544, G replaced by C.
Protein change: p.Gly182Arg; replaces glycine 182 with arginine.
Molecular consequence: missense variant.
Genome position (GRCh38, 1-based): chrX:100,408,054, C>G on the plus strand (G>C on the coding strand, the complement: PCDH19 is on the minus strand). VCF-style: chrX-100408054-C-G. GRCh37 (hg19) VCF-style: chrX-99663052-C-G.
Other names: c.544G>C, p.Gly182Arg (NM_001105243.2, NM_020766.3); c.544G>C (NM_001184880.1); short protein forms G182R.
Identifiers: ClinVar variation 1367735 (VCV001367735.9), dbSNP rs777840773, ClinGen allele CA10468980.
Genomic context (GRCh38, chrX:100,408,054, plus strand): 5'-ACTGCGTCTCGCGGTCCAGGCTCTTTTCCACCACGAGTTCGGCAAAGCGGGAGCCGTCGC[C>G]GCGCGTCTTGATCTCCAGGCCGAACAGCTCGTTGGGCGTGAGCTCGTAAGTCTGCACGCC-3'
Protein context (NP_001171809.1, residues 172-192): ELFGLEIKTR[Gly182Arg]DGSRFAELVV